The following is an entry in ClinVar:

NM_002098.6(GUCA1B):c.207+1G>A

Gene: GUCA1B (guanylate cyclase activator 1B; minus strand). Cytogenetic location: 6p21.1.
Variant type: single nucleotide variant.
Coding change: c.207+1G>A on transcript NM_002098.6 (MANE Select); the canonical splice donor site of the intron after coding-DNA position 207, G replaced by A.
Molecular consequence: splice donor variant.
Genome position (GRCh38, 1-based): chr6:42,194,613, C>T on the plus strand (G>A on the coding strand, the complement: GUCA1B is on the minus strand). VCF-style: chr6-42194613-C-T. GRCh37 (hg19) VCF-style: chr6-42162351-C-T.
Identifiers: ClinVar variation 1385376 (VCV001385376.6), dbSNP rs1202390791, ClinGen allele CA364113764.

ClinVar aggregate classification (germline): Uncertain significance (1 of 4 stars; one submission).

Allele frequency attached by ClinVar (database versions not stated): TOPMed 0.00003; gnomAD 0.00005 and 0.00006.
gnomAD v4.1: 24 of 1,599,016 alleles (0.0015%); highest among the groups gnomAD compares: Middle Eastern, 0.017%; no homozygotes.

Submission:

Labcorp Genetics (formerly Invitae), Labcorp
Classification: Uncertain significance. Last evaluated: 2025-09-22. Review status: criteria provided, single submitter. Criteria: Invitae Variant Classification Sherloc (09022015). Collection method: clinical testing. Allele origin: germline.
Comment: This sequence change affects a donor splice site in intron 1 of the GUCA1B gene. It is expected to disrupt RNA splicing. Variants that disrupt the donor or acceptor splice site typically lead to a loss of protein function (PMID: 16199547), however the current clinical and genetic evidence is not sufficient to establish whether loss-of-function variants in GUCA1B cause disease. This variant is not present in population databases (gnomAD no frequency). This variant has not been reported in the literature in individuals affected with GUCA1B-related conditions. ClinVar contains an entry for this variant (Variation ID: 1385376). Algorithms developed to predict the effect of sequence changes on RNA splicing suggest that this variant may disrupt the consensus splice site. In summary, the available evidence is currently insufficient to determine the role of this variant in disease. Therefore, it has been classified as a Variant of Uncertain Significance.

Literature cited by the submitters: PubMed 16199547.